The following is an entry in ClinVar:

ClinVar aggregate classification (germline): Pathogenic (1 of 4 stars; one submission).

Submission:

Labcorp Genetics (formerly Invitae), Labcorp
Classification: Pathogenic. Last evaluated: 2022-10-06. Review status: criteria provided, single submitter. Criteria: Invitae Variant Classification Sherloc (09022015). Collection method: clinical testing. Allele origin: germline.
Comment: This variant is a gross deletion of the genomic region encompassing exon(s) 10-15 of the HPS3 gene. This deletion is out-of-frame, and is expected to create a premature termination codon and result in an absent or disrupted protein product. Loss-of-function variants in HPS3 are known to be pathogenic (PMID: 11590544). This variant has not been reported in the literature in individuals affected with HPS3-related conditions. For these reasons, this variant has been classified as Pathogenic.

Literature cited by the submitters: PubMed 11590544.

NC_000003.11:g.(?_148876443)_(148885037_?)del

Genes: CP (ceruloplasmin; minus strand), HPS3 (HPS3 biogenesis of lysosomal organelles complex 2 subunit 1; plus strand). Cytogenetic location: 3q24.
Variant type: Deletion.
Identifiers: ClinVar variation 2427031 (VCV002427031.3).